The following is an entry in ClinVar:

ClinVar aggregate classification (germline): Uncertain significance. Review status: criteria provided, multiple submitters, no conflicts (2 of 4 stars). 2 submissions from 2 submitters: Uncertain significance (2). Last evaluated 2026-01-07.

Conditions:
Inborn genetic diseases. Identifiers: MedGen C0950123, MeSH D030342.
Supravalvar aortic stenosis (SVAS). Also called: Supravalvar aortic stenosis, Eisenberg type. Identifiers: Orphanet 3193, MedGen C0003499, MONDO:0008504, OMIM 185500, HP:0004381.

Allele frequency attached by ClinVar (database versions not stated): TOPMed 0.00003; gnomAD 0.00005; ExAC 0.00006.
gnomAD v4.1: 26 of 1,549,762 alleles (0.0017%); highest among the groups gnomAD compares: African/African-American, 0.0055%; no homozygotes.

Submissions (2):

Labcorp Genetics (formerly Invitae), Labcorp
Classification: Uncertain significance for Supravalvar aortic stenosis. Last evaluated: 2026-01-07. Review status: criteria provided, single submitter. Criteria: Invitae Variant Classification Sherloc (09022015). Collection method: clinical testing. Allele origin: germline.
Comment: This sequence change replaces alanine, which is neutral and non-polar, with threonine, which is neutral and polar, at codon 686 of the ELN protein (p.Ala686Thr). The frequency data for this variant in the population databases is considered unreliable, as metrics indicate poor data quality at this position in the gnomAD database. This variant has not been reported in the literature in individuals affected with ELN-related conditions. ClinVar contains an entry for this variant (Variation ID: 2193893). Invitae Evidence Modeling of protein sequence and biophysical properties (such as structural, functional, and spatial information, amino acid conservation, physicochemical variation, residue mobility, and thermodynamic stability) indicates that this missense variant is not expected to disrupt ELN protein function with a negative predictive value of 80%. In summary, the available evidence is currently insufficient to determine the role of this variant in disease. Therefore, it has been classified as a Variant of Uncertain Significance.

Ambry Genetics
Classification: Uncertain significance for Inborn genetic diseases. Last evaluated: 2024-05-14. Review status: criteria provided, single submitter. Criteria: Ambry Variant Classification Scheme 2023. Collection method: clinical testing. Allele origin: germline.

NM_000501.4(ELN):c.1870G>A (p.Ala624Thr)

Gene: ELN (elastin; plus strand). Cytogenetic location: 7q11.23.
Variant type: single nucleotide variant.
Coding change: c.1870G>A on transcript NM_000501.4 (MANE Select); coding-DNA position 1870, G replaced by A.
Protein change: p.Ala624Thr; replaces alanine 624 with threonine.
Molecular consequence: missense variant.
Genome position (GRCh38, 1-based): chr7:74,063,321, G>A. VCF-style: chr7-74063321-G-A. GRCh37 (hg19) VCF-style: chr7-73477651-G-A.
Other names: c.1870G>A (NM_000501.2); c.1783G>A, p.Ala595Thr (NM_001081752.3); c.1828G>A, p.Ala610Thr (NM_001081753.3); c.1885G>A, p.Ala629Thr (NM_001081754.3); c.1813G>A, p.Ala605Thr (NM_001081755.3); c.1870G>A, p.Ala624Thr (NM_001278912.2); c.1627G>A, p.Ala543Thr (NM_001278913.2); c.1798G>A, p.Ala600Thr (NM_001278914.2); and 5 more; short protein forms A543T, A595T, A614T, A624T, A630T, A686T, A535T, A610T.
Identifiers: ClinVar variation 2193893 (VCV002193893.5), dbSNP rs782693956, ClinGen allele CA4293271.